The following is an entry in ClinVar:

ClinVar aggregate classification (germline): Uncertain significance (1 of 4 stars; one submission).

Conditions:
Reticular dysgenesis. Also called: ALEUKOCYTOSIS; CONGENITAL ALEUKIA; HEMATOPOIETIC HYPOPLASIA, GENERALIZED; RETICULAR DYSGENESIA; SEVERE COMBINED IMMUNODEFICIENCY WITH LEUKOPENIA; DeVaal disease. Identifiers: Orphanet 33355, MedGen C0272167, MONDO:0009973, OMIM 267500.

Allele frequency attached by ClinVar (database versions not stated): TOPMed below 0.00001.
gnomAD v4.1: 1 of 1,614,094 alleles (0.000062%); highest among the groups gnomAD compares: Admixed American, 0.0017%; no homozygotes.

Submission:

Labcorp Genetics (formerly Invitae), Labcorp
Classification: Uncertain significance for Reticular dysgenesis. Last evaluated: 2018-09-03. Review status: criteria provided, single submitter. Criteria: Invitae Variant Classification Sherloc (09022015). Collection method: clinical testing. Allele origin: germline.
Comment: This sequence change replaces alanine with serine at codon 209 of the AK2 protein (p.Ala209Ser). The alanine residue is moderately conserved and there is a moderate physicochemical difference between alanine and serine. This variant is not present in population databases (ExAC no frequency). This variant has not been reported in the literature in individuals with AK2-related disease. Algorithms developed to predict the effect of missense changes on protein structure and function (SIFT, PolyPhen-2, Align-GVGD) all suggest that this variant is likely to be tolerated, but these predictions have not been confirmed by published functional studies and their clinical significance is uncertain. In summary, the available evidence is currently insufficient to determine the role of this variant in disease. Therefore, it has been classified as a Variant of Uncertain Significance.

NM_001625.4(AK2):c.625G>T (p.Ala209Ser)

Gene: AK2 (adenylate kinase 2; minus strand). Cytogenetic location: 1p35.1.
Variant type: single nucleotide variant.
Coding change: c.625G>T on transcript NM_001625.4 (MANE Select); coding-DNA position 625, G replaced by T.
Protein change: p.Ala209Ser; replaces alanine 209 with serine.
Molecular consequence: missense variant. On other transcripts: 3 prime UTR variant (1), non-coding transcript variant (1).
Genome position (GRCh38, 1-based): chr1:33,013,276, C>A on the plus strand (G>T on the coding strand, the complement: AK2 is on the minus strand). VCF-style: chr1-33013276-C-A. GRCh37 (hg19) VCF-style: chr1-33478877-C-A.
Other names: c.601G>T, p.Ala201Ser (NM_001199199.3); c.481G>T, p.Ala161Ser (NM_001319139.3, NM_001319140.2); c.625G>T, p.Ala209Ser (NM_001319141.3, NM_013411.5); c.499G>T, p.Ala167Ser (NM_001319142.3); c.*128G>T (NM_001319143.2); short protein forms A201S, A209S, A167S, A161S.
Identifiers: ClinVar variation 662703 (VCV000662703.8), dbSNP rs12116440, ClinGen allele CA339699213.